The following is an entry in ClinVar:

ClinVar aggregate classification (germline): Uncertain significance (1 of 4 stars; one submission).

Conditions:
Baller-Gerold syndrome (BGS). Also called: CRANIOSYNOSTOSIS WITH RADIAL DEFECTS. Identifiers: Orphanet 1225, MedGen C0265308, MONDO:0009039, OMIM 218600.

Allele frequency attached by ClinVar (database versions not stated): gnomAD exomes below 0.00001.

Submission:

Labcorp Genetics (formerly Invitae), Labcorp
Classification: Uncertain significance for Baller-Gerold syndrome. Last evaluated: 2023-11-29. Review status: criteria provided, single submitter. Criteria: Invitae Variant Classification Sherloc (09022015). Collection method: clinical testing. Allele origin: germline.
Comment: This sequence change replaces alanine, which is neutral and non-polar, with valine, which is neutral and non-polar, at codon 33 of the RECQL4 protein (p.Ala33Val). This variant is not present in population databases (gnomAD no frequency). This variant has not been reported in the literature in individuals affected with RECQL4-related conditions. Experimental studies and prediction algorithms are not available or were not evaluated, and the functional significance of this variant is currently unknown. In summary, the available evidence is currently insufficient to determine the role of this variant in disease. Therefore, it has been classified as a Variant of Uncertain Significance.

NM_004260.4(RECQL4):c.98C>T (p.Ala33Val)

Genes: RECQL4 (RecQ like helicase 4; minus strand), LOC130001411 (ATAC-STARR-seq lymphoblastoid silent region 19699; plus strand). Cytogenetic location: 8q24.3.
Variant type: single nucleotide variant.
Coding change: c.98C>T on transcript NM_004260.4 (MANE Select); coding-DNA position 98, C replaced by T.
Protein change: p.Ala33Val; replaces alanine 33 with valine.
Molecular consequence: missense variant. On other transcripts: 5 prime UTR variant (17), non-coding transcript variant (3), intron variant (1).
Genome position (GRCh38, 1-based): chr8:144,517,622, G>A on the plus strand (C>T on the coding strand, the complement: RECQL4 is on the minus strand). VCF-style: chr8-144517622-G-A. GRCh37 (hg19) VCF-style: chr8-145743006-G-A.
Other names: c.98C>T, p.Ala33Val (NM_001413017.1, NM_001413018.1, NM_001413019.1 and 5 more transcripts); c.-623C>T (NM_001413021.1); c.-974C>T (NM_001413022.1, NM_001413023.1, NM_001413037.1 and 2 more transcripts); c.-871C>T (NM_001413024.1, NM_001413035.1); c.-1036C>T (NM_001413027.1, NM_001413030.1, NM_001413031.1 and 1 more transcripts); c.-699C>T (NM_001413028.1); c.-933C>T (NM_001413032.1); c.-878C>T (NM_001413034.1); and 3 more; short protein forms A33V.
Identifiers: ClinVar variation 2730325 (VCV002730325.3), dbSNP rs2130743732, ClinGen allele CA372693468.